The following is an entry in ClinVar:

NM_201384.3(PLEC):c.12277C>T (p.Pro4093Ser)

Gene: PLEC (plectin; minus strand). Cytogenetic location: 8q24.3.
Variant type: single nucleotide variant.
Coding change: c.12277C>T on transcript NM_201384.3 (MANE Select); coding-DNA position 12277, C replaced by T.
Protein change: p.Pro4093Ser; replaces proline 4093 with serine.
Molecular consequence: missense variant.
Genome position (GRCh38, 1-based): chr8:143,917,544, G>A on the plus strand (C>T on the coding strand, the complement: PLEC is on the minus strand). VCF-style: chr8-143917544-G-A. GRCh37 (hg19) VCF-style: chr8-144991712-G-A.
Other names: c.12358C>T, p.Pro4120Ser (NM_000445.5); c.12235C>T, p.Pro4079Ser (NM_201378.4); c.12211C>T, p.Pro4071Ser (NM_201379.3); c.12688C>T, p.Pro4230Ser (NM_201380.4); c.12181C>T, p.Pro4061Ser (NM_201381.3); c.12277C>T, p.Pro4093Ser (NM_201382.4); c.12289C>T, p.Pro4097Ser (NM_201383.3); short protein forms P4079S, P4061S, P4097S, P4120S, P4230S, P4071S, P4093S.
Identifiers: ClinVar variation 1500561 (VCV001500561.8), dbSNP rs782185534, ClinGen allele CA4924127.

ClinVar aggregate classification (germline): Uncertain significance (1 of 4 stars; one submission).

Conditions:
Epidermolysis bullosa simplex 5B, with muscular dystrophy (EBS5B). Also called: Epidermolysis bullosa simplex with muscular dystrophy; EPIDERMOLYSIS BULLOSA SIMPLEX AND LIMB-GIRDLE MUSCULAR DYSTROPHY. Identifiers: Orphanet 257, MedGen C2931072, MONDO:0009181, OMIM 226670.
Autosomal recessive limb-girdle muscular dystrophy type 2Q (LGMDR17). Also called: MUSCULAR DYSTROPHY, LIMB-GIRDLE, AUTOSOMAL RECESSIVE 17. Identifiers: Orphanet 254361, MedGen C3150989, MONDO:0013390, OMIM 613723.
Epidermolysis bullosa simplex with nail dystrophy (EBS5D). Identifiers: MedGen C4225309, MONDO:0014661, OMIM 616487.
Epidermolysis bullosa simplex 5C, with pyloric atresia (EBS5C). Also called: Epidermolysis bullosa simplex with pyloric atresia; PLEC-Related Epidermolysis Bullosa with Pyloric Atresia; PLEC1-Related Epidermolysis Bullosa with Pyloric Atresia. Identifiers: Orphanet 158684, MedGen C2677349, MONDO:0012807, OMIM 612138.
Epidermolysis bullosa simplex, Ogna type (EBS5A). Also called: EPIDERMOLYSIS BULLOSA SIMPLEX 5A, OGNA TYPE; Pidermolysis bullosa simplex 5A, Ogna type. Identifiers: Orphanet 79401, MedGen C0432317, MONDO:0007555, OMIM 131950.

Allele frequency attached by ClinVar (database versions not stated): gnomAD exomes below 0.00001; ExAC 0.00001.
gnomAD v4.1: 4 of 1,613,952 alleles (0.00025%); highest among the groups gnomAD compares: Non-Finnish European, 0.00034%; no homozygotes.

Submission:

Labcorp Genetics (formerly Invitae), Labcorp
Classification: Uncertain significance for Autosomal recessive limb-girdle muscular dystrophy type 2Q; Epidermolysis bullosa simplex, Ogna type; Epidermolysis bullosa simplex with nail dystrophy; Epidermolysis bullosa simplex 5C, with pyloric atresia; Epidermolysis bullosa simplex 5B, with muscular dystrophy. Last evaluated: 2021-07-09. Review status: criteria provided, single submitter. Criteria: Invitae Variant Classification Sherloc (09022015). Collection method: clinical testing. Allele origin: germline.
Comment: In summary, the available evidence is currently insufficient to determine the role of this variant in disease. Therefore, it has been classified as a Variant of Uncertain Significance. Algorithms developed to predict the effect of missense changes on protein structure and function (SIFT, PolyPhen-2, Align-GVGD) all suggest that this variant is likely to be disruptive. This variant has not been reported in the literature in individuals affected with PLEC-related conditions. This variant is present in population databases (rs782185534, ExAC 0.002%). This sequence change replaces proline with serine at codon 4120 of the PLEC protein (p.Pro4120Ser). The proline residue is highly conserved and there is a moderate physicochemical difference between proline and serine.